The following is an entry in ClinVar:

ClinVar aggregate classification (germline): Uncertain significance (1 of 4 stars; one submission).

Conditions:
Autosomal dominant nocturnal frontal lobe epilepsy 5. Also called: Epilepsy, nocturnal frontal lobe, 5; CILIARY DYSKINESIA, PRIMARY, 28, WITHOUT SITUS INVERSUS; CILIARY DYSKINESIA, PRIMARY, 28, WITH SITUS INVERSUS; KCNT1-Related Epilepsy. Identifiers: Orphanet 98784, MedGen C3554306, MONDO:0014002, OMIM 615005.
Developmental and epileptic encephalopathy, 14 (DEE14). Also called: Early infantile epileptic encephalopathy 14. Identifiers: Orphanet 293181, MedGen C3554195, MONDO:0013989, OMIM 614959.

Allele frequency attached by ClinVar (database versions not stated): gnomAD exomes below 0.00001 and 0.00001; ExAC 0.00001.
gnomAD v4.1: 4 of 1,612,314 alleles (0.00025%); highest among the groups gnomAD compares: Admixed American, 0.005%; no homozygotes.

Submission:

Labcorp Genetics (formerly Invitae), Labcorp
Classification: Uncertain significance for Autosomal dominant nocturnal frontal lobe epilepsy 5; Developmental and epileptic encephalopathy, 14. Last evaluated: 2025-12-15. Review status: criteria provided, single submitter. Criteria: Invitae Variant Classification Sherloc (09022015). Collection method: clinical testing. Allele origin: germline.
Comment: This sequence change falls in intron 7 of the KCNT1 gene. It does not directly change the encoded amino acid sequence of the KCNT1 protein. It affects a nucleotide within the consensus splice site. This variant is present in population databases (rs770367654, gnomAD 0.006%). This variant has not been reported in the literature in individuals affected with KCNT1-related conditions. ClinVar contains an entry for this variant (Variation ID: 565606). Variants that disrupt the consensus splice site are a relatively common cause of aberrant splicing (PMID: 17576681, 9536098). Algorithms developed to predict the effect of sequence changes on RNA splicing suggest that this variant may disrupt the consensus splice site. In summary, the available evidence is currently insufficient to determine the role of this variant in disease. Therefore, it has been classified as a Variant of Uncertain Significance.

Literature cited by the submitters: PubMed 17576681; PubMed 9536098.

NM_020822.3(KCNT1):c.600+5G>A

Gene: KCNT1 (potassium sodium-activated channel subfamily T member 1; plus strand). Cytogenetic location: 9q34.3.
Variant type: single nucleotide variant.
Coding change: c.600+5G>A on transcript NM_020822.3 (MANE Select); 5 bases into the intron after coding-DNA position 600, G replaced by A.
Molecular consequence: intron variant.
Genome position (GRCh38, 1-based): chr9:135,756,937, G>A. VCF-style: chr9-135756937-G-A. GRCh37 (hg19) VCF-style: chr9-138648783-G-A.
Other names: c.456+5G>A (NM_001272003.2).
Identifiers: ClinVar variation 565606 (VCV000565606.11), dbSNP rs770367654, ClinGen allele CA5326525.